The following is an entry in ClinVar:

NM_005422.4(TECTA):c.1436C>T (p.Pro479Leu)

Genes: TBCEL-TECTA (TBCEL-TECTA readthrough; plus strand), TECTA (tectorin alpha; plus strand). Cytogenetic location: 11q23.3.
Variant type: single nucleotide variant.
Coding change: c.1436C>T on transcript NM_005422.4 (MANE Select); coding-DNA position 1436, C replaced by T.
Protein change: p.Pro479Leu; replaces proline 479 with leucine.
Molecular consequence: missense variant.
Genome position (GRCh38, 1-based): chr11:121,125,534, C>T. VCF-style: chr11-121125534-C-T. GRCh37 (hg19) VCF-style: chr11-120996243-C-T.
Other names: NM_005422.2(TECTA):c.1436C>T(p.Pro479Leu); NM_005422.2(TECTA):c.1436C>T; c.2393C>T, p.Pro798Leu (NM_001378761.1); short protein forms P479L, P798L.
Identifiers: ClinVar variation 178638 (VCV000178638.18), dbSNP rs35107075, ClinGen allele CA182711.

ClinVar aggregate classification (germline): Benign. Review status: reviewed by expert panel (3 of 4 stars). 9 submissions from 8 submitters: Benign (1). 8 of the submissions do not count toward it. Last evaluated 2018-09-17.

Conditions:
TECTA-related disorder. Also called: TECTA-related condition.
Nonsyndromic genetic hearing loss. Also called: Non-syndromic genetic deafness; Nonsyndromic genetic deafness; Nonsyndromic hearing loss and deafness. Identifiers: Orphanet 87884, MedGen C5680182, MONDO:0019497.
Autosomal recessive nonsyndromic hearing loss 21. Identifiers: Orphanet 90636, MedGen C1863655, MONDO:0011351, OMIM 603629.
Autosomal dominant nonsyndromic hearing loss 12. Also called: DEAFNESS, AUTOSOMAL DOMINANT 8. Identifiers: Orphanet 90635, MedGen C1832187, MONDO:0011102, OMIM 601543.

Allele frequency attached by ClinVar (database versions not stated): gnomAD exomes 0.00072 and 0.00144; ExAC 0.00161; ESP Exome Variant Server 0.00185; gnomAD 0.00186 and 0.00200; TOPMed 0.00208; 1000 Genomes Project 0.00319; 1000 Genomes Project 30x 0.00344.
gnomAD v4.1: 1,375 of 1,614,162 alleles (0.085%); highest among the groups gnomAD compares: South Asian, 0.68%; 6 homozygotes.

Submissions (9):

ClinGen Hearing Loss Variant Curation Expert Panel
Classification: Benign for Nonsyndromic genetic hearing loss. Last evaluated: 2018-09-17. Review status: reviewed by expert panel. Criteria: ClinGen HL ACMG Specifications v1. Collection method: curation. Allele origin: germline.
Comment: The filtering allele frequency of the c.1436C>T (p.Pro479Leu) variant in the TECTA gene is 0.63% (219/30782) of South Asian chromosomes by the Genome Aggregation Database (calculated by using inverse allele frequency at an online resource), which is a high enough frequency to be classified as benign based on thresholds defined by the ClinGen Hearing Loss Expert Panel for autosomal recessive hearing loss variants (BA1).

Labcorp Genetics (formerly Invitae), Labcorp
Classification: Benign. Last evaluated: 2026-01-14. Review status: criteria provided, single submitter. Criteria: Invitae Variant Classification Sherloc (09022015). Collection method: clinical testing. Allele origin: germline. Not counted in ClinVar's aggregate classification.

Blueprint Genetics
Classification: Likely benign. Last evaluated: 2024-10-23. Review status: criteria provided, single submitter. Criteria: ACMG Guidelines, 2015. Collection method: clinical testing. Allele origin: germline. Not counted in ClinVar's aggregate classification.

GeneDx
Classification: Likely benign. Last evaluated: 2021-06-08. Review status: criteria provided, single submitter. Criteria: GeneDx Variant Classification Process June 2021. Collection method: clinical testing. Allele origin: germline. Affected: yes. Not counted in ClinVar's aggregate classification.

Illumina Laboratory Services, Illumina
Classification: Uncertain significance for Autosomal recessive nonsyndromic hearing loss 21. Last evaluated: 2018-01-13. Review status: criteria provided, single submitter. Criteria: ICSL Variant Classification Criteria 13 December 2019. Collection method: clinical testing. Allele origin: germline. Not counted in ClinVar's aggregate classification.

Illumina Laboratory Services, Illumina
Classification: Benign for Autosomal dominant nonsyndromic hearing loss 12. Last evaluated: 2018-01-13. Review status: criteria provided, single submitter. Criteria: ICSL Variant Classification Criteria 13 December 2019. Collection method: clinical testing. Allele origin: germline. Not counted in ClinVar's aggregate classification.
Comment: This variant was observed in the ICSL laboratory as part of a predisposition screen in an ostensibly healthy population. It had not been previously curated by ICSL or reported in the Human Gene Mutation Database (HGMD: prior to June 1st, 2018), and was therefore a candidate for classification through an automated scoring system. Utilizing variant allele frequency, disease prevalence and penetrance estimates, and inheritance mode, an automated score was calculated to assess if this variant is too frequent to cause the disease. Based on the score and internal cut-off values, a variant classified as benign is not then subjected to further curation. The score for this variant resulted in a classification of benign for this disease.

Laboratory for Molecular Medicine, Mass General Brigham Personalized Medicine
Classification: Likely benign. Last evaluated: 2013-03-14. Review status: criteria provided, single submitter. Criteria: LMM Criteria. Collection method: clinical testing. Allele origin: germline. Observed: 3 variant alleles. Not counted in ClinVar's aggregate classification.
Comment: Pro479Leu in Exon 07 of TECTA: This variant is not expected to have clinical sig nificance because it has been identified in 0.5% (23/4406) of African American c hromosomes from a broad population by the NHLBI Exome Sequencing Project (dbSNP rs35107075).

Breakthrough Genomics
Classification: Benign. Review status: criteria provided, single submitter. Criteria: ACMG Guidelines, 2015. Collection method: not provided. Allele origin: germline. Inheritance: Autosomal recessive inheritance. Affected: yes. Not counted in ClinVar's aggregate classification.

PreventionGenetics, part of Exact Sciences
Classification: Benign for TECTA-related condition. Last evaluated: 2021-02-17. Review status: no assertion criteria provided. Collection method: clinical testing. Allele origin: germline. Not counted in ClinVar's aggregate classification.
Comment: This variant is classified as benign based on ACMG/AMP sequence variant interpretation guidelines (Richards et al. 2015 PMID: 25741868, with internal and published modifications).